The following is an entry in ClinVar:

NM_014244.5(ADAMTS2):c.2938C>T (p.Arg980Ter)

Gene: ADAMTS2 (ADAM metallopeptidase with thrombospondin type 1 motif 2; minus strand). Cytogenetic location: 5q35.3.
Variant type: single nucleotide variant.
Coding change: c.2938C>T on transcript NM_014244.5 (MANE Select); coding-DNA position 2938, C replaced by T.
Protein change: p.Arg980Ter; replaces arginine 980 with a stop codon.
Molecular consequence: nonsense.
Genome position (GRCh38, 1-based): chr5:179,124,993, G>A on the plus strand (C>T on the coding strand, the complement: ADAMTS2 is on the minus strand). VCF-style: chr5-179124993-G-A. GRCh37 (hg19) VCF-style: chr5-178551994-G-A.
Other names: p.Arg980*; short protein forms R980*.
Identifiers: ClinVar variation 1071129 (VCV001071129.7), dbSNP rs1171795845, ClinGen allele CA362419808.

ClinVar aggregate classification (germline): Pathogenic/Likely pathogenic. Review status: criteria provided, multiple submitters, no conflicts (2 of 4 stars). 2 submissions from 2 submitters: Pathogenic (1); Likely pathogenic (1). Last evaluated 2025-10-23.

Conditions:
Ehlers-Danlos syndrome, dermatosparaxis type. Also called: EDS VIIC; Dermatosparaxis; Ehlers-Danlos syndrome, type VII, autosomal recessive. Identifiers: Orphanet 1901, MedGen C2700425, MONDO:0009161, OMIM 225410.

Allele frequency attached by ClinVar (database versions not stated): gnomAD 0.00001.
gnomAD v4.1: 7 of 1,605,332 alleles (0.00044%); highest among the groups gnomAD compares: Admixed American, 0.0017%; no homozygotes.

Submissions (2):

Mayo Clinic Laboratories, Mayo Clinic
Classification: Likely pathogenic. Last evaluated: 2025-10-23. Review status: criteria provided, single submitter. Criteria: ACMG Guidelines, 2015. Collection method: clinical testing. Allele origin: germline. Observed: 1 variant allele.
Comment: PM2_supporting, PVS1

Labcorp Genetics (formerly Invitae), Labcorp
Classification: Pathogenic for Ehlers-Danlos syndrome, dermatosparaxis type. Last evaluated: 2023-07-10. Review status: criteria provided, single submitter. Criteria: Invitae Variant Classification Sherloc (09022015). Collection method: clinical testing. Allele origin: germline.
Comment: For these reasons, this variant has been classified as Pathogenic. Algorithms developed to predict the effect of sequence changes on RNA splicing suggest that this variant may create or strengthen a splice site. ClinVar contains an entry for this variant (Variation ID: 1071129). This variant has not been reported in the literature in individuals affected with ADAMTS2-related conditions. The frequency data for this variant in the population databases is considered unreliable, as metrics indicate poor data quality at this position in the gnomAD database. This sequence change creates a premature translational stop signal (p.Arg980*) in the ADAMTS2 gene. It is expected to result in an absent or disrupted protein product. Loss-of-function variants in ADAMTS2 are known to be pathogenic (PMID: 10417273).

Literature cited by the submitters: PubMed 10417273 (cited by Labcorp Genetics (formerly Invitae), Labcorp).